The following is an entry in ClinVar:

ClinVar aggregate classification (germline): Uncertain significance (1 of 4 stars; one submission).

Conditions:
NLGN1-related disorder. Also called: NLGN1-related condition.

Submission:

PreventionGenetics, part of Exact Sciences
Classification: Uncertain significance for NLGN1-related condition. Last evaluated: 2026-09-01. Review status: criteria provided, single submitter. Criteria: ACMG Guidelines, 2015. Collection method: clinical testing. Allele origin: germline.
Comment: The NLGN1 c.941G>C variant is predicted to result in the amino acid substitution p.Arg314Thr. To our knowledge, this variant has not been reported in the literature or in a large population database (gnomAD), indicating this variant is rare. At this time, the clinical significance of this variant is uncertain due to the absence of conclusive functional and genetic evidence.

NM_001365925.2(NLGN1):c.1001G>C (p.Arg334Thr)

Gene: NLGN1 (neuroligin 1; plus strand). Cytogenetic location: 3q26.31.
Variant type: single nucleotide variant.
Coding change: c.1001G>C on transcript NM_001365925.2 (MANE Select); coding-DNA position 1001, G replaced by C.
Protein change: p.Arg334Thr; replaces arginine 334 with threonine.
Molecular consequence: missense variant.
Genome position (GRCh38, 1-based): chr3:174,278,942, G>C. VCF-style: chr3-174278942-G-C. GRCh37 (hg19) VCF-style: chr3-173996732-G-C.
Other names: c.1001G>C, p.Arg334Thr (NM_001365923.2, NM_001365924.2, NM_001365926.2 and 2 more transcripts); c.941G>C, p.Arg314Thr (NM_001365929.2, NM_001365930.2, NM_001365931.2 and 3 more transcripts); c.914G>C, p.Arg305Thr (NM_001365934.2, NM_001365935.2, NM_001365936.2); short protein forms R314T, R305T, R334T.
Identifiers: ClinVar variation 4995617 (VCV004995617.1).
Genomic context (GRCh38, chr3:174,278,942, plus strand): 5'-CTCAAAGTGGAACAGCCCTTTCCAGCTGGGCTGTTAGTTTTCAACCTGCAAAATATGCTA[G>C]AATGTTGGCCACAAAAGTTGGTTGCAATGTTTCAGATACAGTAGAGTTAGTGGAATGCCT-3'
Protein context (NP_001352854.1, residues 324-344): AVSFQPAKYA[Arg334Thr]MLATKVGCNV